The following is an entry in ClinVar:

ClinVar aggregate classification (germline): Likely benign (1 of 4 stars; one submission).

gnomAD v4.1: 58 of 398,186 alleles (0.015%); highest among the groups gnomAD compares: African/African-American, 0.11%; no homozygotes.

Submission:

CeGaT Center for Human Genetics Tuebingen
Classification: Likely benign. Last evaluated: 2026-09-01. Review status: criteria provided, single submitter. Criteria: CeGaT Center For Human Genetics Tuebingen Variant Classification Criteria Version 2. Collection method: clinical testing. Allele origin: germline. Affected: yes. Observed: 1 variant allele.
Comment: KCNQ1OT1: BS1

NM_000218.3(KCNQ1):c.1394-5321A>G

Genes: KCNQ1 (potassium voltage-gated channel subfamily Q member 1; plus strand), KCNQ1OT1 (KCNQ1 opposite strand/antisense transcript 1; minus strand). Cytogenetic location: 11p15.5.
Variant type: single nucleotide variant.
Coding change: c.1394-5321A>G on transcript NM_000218.3 (MANE Select); 5321 bases into the intron before coding-DNA position 1394, A replaced by G.
Molecular consequence: intron variant. On other transcripts: non-coding transcript variant (1).
Genome position (GRCh38, 1-based): chr11:2,656,640, A>G. VCF-style: chr11-2656640-A-G. GRCh37 (hg19) VCF-style: chr11-2677870-A-G.
Other names: c.1124-5321A>G (NM_001406837.1); c.1298-5321A>G (NM_001406836.1); c.854-5321A>G (NM_001406838.1); c.1013-5321A>G (NM_181798.2).
Identifiers: ClinVar variation 5041311 (VCV005041311.1).